The following is an entry in ClinVar:

ClinVar aggregate classification (germline): Uncertain significance (0 of 4 stars; one submission).

Conditions:
MID1-related disorder. Also called: MID1-related condition.

Submission:

PreventionGenetics, part of Exact Sciences
Classification: Uncertain significance for MID1-related condition. Last evaluated: 2023-11-22. Review status: no assertion criteria provided. Collection method: clinical testing. Allele origin: germline.
Comment: The MID1 c.875T>C variant is predicted to result in the amino acid substitution p.Leu292Pro. To our knowledge, this variant has not been reported in the literature or in a large population database, indicating this variant is rare. At this time, the clinical significance of this variant is uncertain due to the absence of conclusive functional and genetic evidence.

NM_000381.4(MID1):c.875T>C (p.Leu292Pro)

Gene: MID1 (midline 1; minus strand). Cytogenetic location: Xp22.2.
Variant type: single nucleotide variant.
Coding change: c.875T>C on transcript NM_000381.4 (MANE Select); coding-DNA position 875, T replaced by C.
Protein change: p.Leu292Pro; replaces leucine 292 with proline.
Molecular consequence: missense variant.
Genome position (GRCh38, 1-based): chrX:10,482,618, A>G on the plus strand (T>C on the coding strand, the complement: MID1 is on the minus strand). VCF-style: chrX-10482618-A-G. GRCh37 (hg19) VCF-style: chrX-10450658-A-G.
Other names: c.875T>C, p.Leu292Pro (NM_001098624.2, NM_001193277.1, NM_001193279.1 and 2 more transcripts); c.1028T>C, p.Leu343Pro (NM_001193278.1); c.761T>C, p.Leu254Pro (NM_001193280.1, NM_033289.2); short protein forms L254P, L292P, L343P.
Identifiers: ClinVar variation 3057556 (VCV003057556.2), dbSNP rs2519016912, ClinGen allele CA412053036.